The following is an entry in ClinVar:

NM_020937.4(FANCM):c.1091G>C (p.Cys364Ser)

Gene: FANCM (FA complementation group M; plus strand). Cytogenetic location: 14q21.2.
Variant type: single nucleotide variant.
Coding change: c.1091G>C on transcript NM_020937.4 (MANE Select); coding-DNA position 1091, G replaced by C.
Protein change: p.Cys364Ser; replaces cysteine 364 with serine.
Molecular consequence: missense variant.
Genome position (GRCh38, 1-based): chr14:45,153,960, G>C. VCF-style: chr14-45153960-G-C. GRCh37 (hg19) VCF-style: chr14-45623163-G-C.
Other names: c.1091G>C (NM_020937.3); c.1013G>C, p.Cys338Ser (NM_001308133.2); c.1091G>C, p.Cys364Ser (NM_001308134.2); short protein forms C338S, C364S.
Identifiers: ClinVar variation 856550 (VCV000856550.11), dbSNP rs1257244524, ClinGen allele CA389590860.

ClinVar aggregate classification (germline): Uncertain significance. Review status: criteria provided, multiple submitters, no conflicts (2 of 4 stars). 4 submissions from 4 submitters: Uncertain significance (4). Last evaluated 2025-06-23.

Conditions:
FANCM-related disorder. Also called: FANCM-related condition.
Spermatogenic failure 28. Identifiers: MedGen C4748117, MONDO:0054732, OMIM 618086.
Premature ovarian failure 15. Identifiers: MedGen C4748170, MONDO:0054862, OMIM 618096.
Fanconi anemia (FA). Also called: Fanconi's anemia. Identifiers: Orphanet 84, MedGen C0015625, MeSH D005199, MONDO:0019391.

Allele frequency attached by ClinVar (database versions not stated): gnomAD exomes 0.00001 and 0.00003; gnomAD 0.00005; TOPMed 0.00005.
gnomAD v4.1: 18 of 1,604,268 alleles (0.0011%); highest among the groups gnomAD compares: Admixed American, 0.027%; no homozygotes.

Submissions (4):

PreventionGenetics, part of Exact Sciences
Classification: Uncertain significance for FANCM-related condition. Last evaluated: 2025-06-23. Review status: criteria provided, single submitter. Criteria: ACMG Guidelines, 2015. Collection method: clinical testing. Allele origin: germline.
Comment: The FANCM c.1091G>C variant is predicted to result in the amino acid substitution p.Cys364Ser. To our knowledge, this variant has not been reported in the literature. This variant is reported in 0.020% of alleles in individuals of Latino descent in gnomAD. At this time, the clinical significance of this variant is uncertain due to the absence of conclusive functional and genetic evidence.

Quest Diagnostics Nichols Institute San Juan Capistrano
Classification: Uncertain significance. Last evaluated: 2025-04-04. Review status: criteria provided, single submitter. Criteria: Quest Diagnostics criteria. Collection method: clinical testing. Allele origin: unknown.
Comment: The FANCM c.1091G>C (p.Cys364Ser) variant has not been reported in individuals with FANCM-related conditions in the published literature. The frequency of this variant in the general population (Genome Aggregation Database) is uninformative in the assessment of its pathogenicity. Analysis of this variant using bioinformatics tools for the prediction of the effect of amino acid changes on protein structure and function yielded predictions that this variant is damaging. Based on the available information, we are unable to determine the clinical significance of this variant.

Fulgent Genetics
Classification: Uncertain significance for Spermatogenic failure 28; Premature ovarian failure 15. Last evaluated: 2024-05-30. Review status: criteria provided, single submitter. Criteria: ACMG Guidelines, 2015. Collection method: clinical testing. Allele origin: germline.

Labcorp Genetics (formerly Invitae), Labcorp
Classification: Uncertain significance for Fanconi anemia. Last evaluated: 2022-03-17. Review status: criteria provided, single submitter. Criteria: Invitae Variant Classification Sherloc (09022015). Collection method: clinical testing. Allele origin: germline.
Comment: This sequence change replaces cysteine, which is neutral and slightly polar, with serine, which is neutral and polar, at codon 364 of the FANCM protein (p.Cys364Ser). This variant is present in population databases (no rsID available, gnomAD 0.02%). This variant has not been reported in the literature in individuals affected with FANCM-related conditions. ClinVar contains an entry for this variant (Variation ID: 856550). Algorithms developed to predict the effect of missense changes on protein structure and function are either unavailable or do not agree on the potential impact of this missense change (SIFT: "Deleterious"; PolyPhen-2: "Benign"; Align-GVGD: "Class C0"). In summary, the available evidence is currently insufficient to determine the role of this variant in disease. Therefore, it has been classified as a Variant of Uncertain Significance.